The following is an entry in ClinVar:

NM_005120.3(MED12):c.6472C>A (p.Leu2158Ile)

Gene: MED12 (mediator complex subunit 12; plus strand). Cytogenetic location: Xq13.1.
Variant type: single nucleotide variant.
Coding change: c.6472C>A on transcript NM_005120.3 (MANE Select); coding-DNA position 6472, C replaced by A.
Protein change: p.Leu2158Ile; replaces leucine 2158 with isoleucine.
Molecular consequence: missense variant.
Genome position (GRCh38, 1-based): chrX:71,141,946, C>A. VCF-style: chrX-71141946-C-A. GRCh37 (hg19) VCF-style: chrX-70361796-C-A.
Other names: short protein forms L2158I.
Identifiers: ClinVar variation 1342907 (VCV001342907.1), dbSNP rs2147844978, ClinGen allele CA413544265.

ClinVar aggregate classification (germline): Uncertain significance (1 of 4 stars; one submission).

Conditions:
Blepharophimosis - intellectual disability syndrome, MKB type. Also called: BLEPHAROPHIMOSIS-MENTAL RETARDATION SYNDROME, MAAT-KIEVIT-BRUNNER TYPE; Ohdo syndrome, X-linked; X-Linked Ohdo Syndrome (XLOS). Identifiers: Orphanet 293707, MedGen C3698541, MONDO:0010477, OMIM 300895.

Submission:

Institute of Human Genetics, University of Leipzig Medical Center
Classification: Uncertain significance for Blepharophimosis - intellectual disability syndrome, MKB type. Last evaluated: 2022-02-25. Review status: criteria provided, single submitter. Criteria: ACMG Guidelines, 2015. Collection method: clinical testing. Allele origin: maternal. Affected: yes.
Comment: _x000D_ Criteria applied: PM2_SUP, PP2, PP3